The following is an entry in ClinVar:

NM_032380.5(GFM2):c.610T>C (p.Phe204Leu)

Gene: GFM2 (GTP dependent ribosome recycling factor mitochondrial 2; minus strand). Cytogenetic location: 5q13.3.
Variant type: single nucleotide variant.
Coding change: c.610T>C on transcript NM_032380.5 (MANE Select); coding-DNA position 610, T replaced by C.
Protein change: p.Phe204Leu; replaces phenylalanine 204 with leucine.
Molecular consequence: missense variant. On other transcripts: non-coding transcript variant (1).
Genome position (GRCh38, 1-based): chr5:74,746,164, A>G on the plus strand (T>C on the coding strand, the complement: GFM2 is on the minus strand). VCF-style: chr5-74746164-A-G. GRCh37 (hg19) VCF-style: chr5-74041989-A-G.
Other names: c.706T>C, p.Phe236Leu (NM_001281302.2); c.610T>C, p.Phe204Leu (NM_170681.3, NM_170691.3); short protein forms F204L, F236L.
Identifiers: ClinVar variation 1921542 (VCV001921542.5), dbSNP rs746873236, ClinGen allele CA3306735.

ClinVar aggregate classification (germline): Uncertain significance (1 of 4 stars; one submission).

Allele frequency attached by ClinVar (database versions not stated): gnomAD exomes below 0.00001; TOPMed 0.00001; ExAC 0.00002.
gnomAD v4.1: 1 of 1,479,854 alleles (0.000068%); highest among the groups gnomAD compares: Admixed American, 0.0025%; no homozygotes.

Submission:

Labcorp Genetics (formerly Invitae), Labcorp
Classification: Uncertain significance. Last evaluated: 2024-01-24. Review status: criteria provided, single submitter. Criteria: Invitae Variant Classification Sherloc (09022015). Collection method: clinical testing. Allele origin: germline.
Comment: This sequence change replaces phenylalanine, which is neutral and non-polar, with leucine, which is neutral and non-polar, at codon 204 of the GFM2 protein (p.Phe204Leu). The frequency data for this variant in the population databases is considered unreliable, as metrics indicate poor data quality at this position in the gnomAD database. This variant has not been reported in the literature in individuals affected with GFM2-related conditions. ClinVar contains an entry for this variant (Variation ID: 1921542). Advanced modeling of protein sequence and biophysical properties (such as structural, functional, and spatial information, amino acid conservation, physicochemical variation, residue mobility, and thermodynamic stability) performed at Invitae indicates that this missense variant is not expected to disrupt GFM2 protein function with a negative predictive value of 80%. In summary, the available evidence is currently insufficient to determine the role of this variant in disease. Therefore, it has been classified as a Variant of Uncertain Significance.